The following is an entry in ClinVar:

NM_000512.5(GALNS):c.332A>G (p.Gln111Arg)

Gene: GALNS (galactosamine (N-acetyl)-6-sulfatase; minus strand). Cytogenetic location: 16q24.3.
Variant type: single nucleotide variant.
Coding change: c.332A>G on transcript NM_000512.5 (MANE Select); coding-DNA position 332, A replaced by G.
Protein change: p.Gln111Arg; replaces glutamine 111 with arginine.
Molecular consequence: missense variant. On other transcripts: 5 prime UTR variant (1).
Genome position (GRCh38, 1-based): chr16:88,841,082, T>C on the plus strand (A>G on the coding strand, the complement: GALNS is on the minus strand). VCF-style: chr16-88841082-T-C. GRCh37 (hg19) VCF-style: chr16-88907490-T-C.
Other names: c.-224A>G (NM_001323543.2); c.350A>G, p.Gln117Arg (NM_001323544.2); short protein forms Q111R, Q117R.
Identifiers: ClinVar variation 1048271 (VCV001048271.3), dbSNP rs2143004671, ClinGen allele CA397088300.
Genomic context (GRCh38, chr16:88,841,082, plus strand): 5'-GCCTTCTTCAGAAGCTCCGGCAGGAGCTGCTCCGAGTCTGGGATGCCGCCCACAATCTCC[T>C]GCGGTGTGTAGGCTGGAAGAGCAGCGCTGGGTGAGCCCCGAGGAGACCCCGAGAAGCTGC-3'
Protein context (NP_000503.1, residues 101-121): NAHARNAYTP[Gln111Arg]EIVGGIPDSE

ClinVar aggregate classification (germline): Uncertain significance (1 of 4 stars; one submission).

Conditions:
Mucopolysaccharidosis, MPS-IV-A (MPS4A). Also called: Mucopolysaccharidosis type IV A; Mucopolysaccharidosis Type IVA; Morquio syndrome A, mild; MORQUIO SYNDROME A; MPS IVA; mucopolysaccharidosis type 4A. Identifiers: Orphanet 309297, Orphanet 582, MedGen C0086651, MONDO:0009659, OMIM 253000.

gnomAD v4.1: 2 of 1,612,980 alleles (0.00012%); highest among the groups gnomAD compares: Non-Finnish European, 0.00017%; no homozygotes.

Submission:

Laboratory of Diagnosis and Therapy of Lysosomal Disorders, University of Padova
Classification: Uncertain significance for Mucopolysaccharidosis, MPS-IV-A. Last evaluated: 2021-02-01. Review status: criteria provided, single submitter. Criteria: ACMG Guidelines, 2015. Collection method: curation. Allele origin: germline. Affected: yes.
Comment: Absent from gnomAD v2.1.1 (PM2_moderate); multiple lines of computational evidence support a deleterious effect on the gene (PP3_supporting)

Literature cited by the submitters: PubMed 16287098; PubMed 9298823; PubMed 34387910.